The following is an entry in ClinVar:

NM_024741.3(ZNF408):c.1980C>A (p.Asp660Glu)

Gene: ZNF408 (zinc finger protein 408; plus strand). Cytogenetic location: 11p11.2.
Variant type: single nucleotide variant.
Coding change: c.1980C>A on transcript NM_024741.3 (MANE Select); coding-DNA position 1980, C replaced by A.
Protein change: p.Asp660Glu; replaces aspartic acid 660 with glutamic acid.
Molecular consequence: missense variant.
Genome position (GRCh38, 1-based): chr11:46,705,680, C>A. VCF-style: chr11-46705680-C-A. GRCh37 (hg19) VCF-style: chr11-46727230-C-A.
Other names: c.1956C>A, p.Asp652Glu (NM_001184751.2); short protein forms D652E, D660E.
Identifiers: ClinVar variation 3722117 (VCV003722117.2).

ClinVar aggregate classification (germline): Uncertain significance (1 of 4 stars; one submission).

Submission:

Labcorp Genetics (formerly Invitae), Labcorp
Classification: Uncertain significance. Last evaluated: 2024-10-03. Review status: criteria provided, single submitter. Criteria: Invitae Variant Classification Sherloc (09022015). Collection method: clinical testing. Allele origin: germline.
Comment: This sequence change replaces aspartic acid, which is acidic and polar, with glutamic acid, which is acidic and polar, at codon 660 of the ZNF408 protein (p.Asp660Glu). This variant is not present in population databases (gnomAD no frequency). This variant has not been reported in the literature in individuals affected with ZNF408-related conditions. An algorithm developed to predict the effect of missense changes on protein structure and function outputs the following: PolyPhen-2: "Benign". The glutamic acid amino acid residue is found in multiple mammalian species, which suggests that this missense change does not adversely affect protein function. In summary, the available evidence is currently insufficient to determine the role of this variant in disease. Therefore, it has been classified as a Variant of Uncertain Significance.